The following is an entry in ClinVar:

ClinVar aggregate classification (germline): Uncertain significance (1 of 4 stars; one submission).

Conditions:
Charcot-Marie-Tooth disease axonal type 2O. Also called: CHARCOT-MARIE-TOOTH NEUROPATHY, AXONAL, TYPE 2O; CHARCOT-MARIE-TOOTH DISEASE, AXONAL, AUTOSOMAL DOMINANT, TYPE 2O; Charcot-Marie-Tooth Neuropathy Type 2O; Charcot-Marie-Tooth disease, axonal, type 20. Identifiers: Orphanet 284232, MedGen C3280220, MONDO:0013644, OMIM 614228.

Submission:

Labcorp Genetics (formerly Invitae), Labcorp
Classification: Uncertain significance for Charcot-Marie-Tooth disease axonal type 2O. Last evaluated: 2023-01-05. Review status: criteria provided, single submitter. Criteria: Invitae Variant Classification Sherloc (09022015). Collection method: clinical testing. Allele origin: germline.
Comment: In summary, the available evidence is currently insufficient to determine the role of this variant in disease. Therefore, it has been classified as a Variant of Uncertain Significance. Advanced modeling of protein sequence and biophysical properties (such as structural, functional, and spatial information, amino acid conservation, physicochemical variation, residue mobility, and thermodynamic stability) performed at Invitae indicates that this missense variant is not expected to disrupt DYNC1H1 protein function. This variant has not been reported in the literature in individuals affected with DYNC1H1-related conditions. This variant is not present in population databases (gnomAD no frequency). This sequence change replaces alanine, which is neutral and non-polar, with valine, which is neutral and non-polar, at codon 158 of the DYNC1H1 protein (p.Ala158Val).

NM_001376.5(DYNC1H1):c.473C>T (p.Ala158Val)

Gene: DYNC1H1 (dynein cytoplasmic 1 heavy chain 1; plus strand). Cytogenetic location: 14q32.31.
Variant type: single nucleotide variant.
Coding change: c.473C>T on transcript NM_001376.5 (MANE Select); coding-DNA position 473, C replaced by T.
Protein change: p.Ala158Val; replaces alanine 158 with valine.
Molecular consequence: missense variant.
Genome position (GRCh38, 1-based): chr14:101,979,447, C>T. VCF-style: chr14-101979447-C-T. GRCh37 (hg19) VCF-style: chr14-102445784-C-T.
Other names: short protein forms A158V.
Identifiers: ClinVar variation 3005324 (VCV003005324.3), dbSNP rs2503678155, ClinGen allele CA391007709.